The following is an entry in ClinVar:

NM_016507.4(CDK12):c.3284A>T (p.Glu1095Val)

Gene: CDK12 (cyclin dependent kinase 12; plus strand). Cytogenetic location: 17q12.
Variant type: single nucleotide variant.
Coding change: c.3284A>T on transcript NM_016507.4 (MANE Select); coding-DNA position 3284, A replaced by T.
Protein change: p.Glu1095Val; replaces glutamic acid 1095 with valine.
Molecular consequence: missense variant.
Genome position (GRCh38, 1-based): chr17:39,524,862, A>T. VCF-style: chr17-39524862-A-T. GRCh37 (hg19) VCF-style: chr17-37681115-A-T.
Other names: c.3284A>T, p.Glu1095Val (NM_015083.4); short protein forms E1095V.
Identifiers: ClinVar variation 5034163 (VCV005034163.1).

ClinVar aggregate classification (germline): Uncertain significance (1 of 4 stars; one submission).

Submission:

Ambry Genetics
Classification: Uncertain significance. Last evaluated: 2026-08-22. Review status: criteria provided, single submitter. Criteria: Ambry Variant Classification Scheme 2023. Collection method: clinical testing. Allele origin: germline.
Comment: The p.E1095V variant (also known as c.3284A>T), located in coding exon 12 of the CDK12 gene, results from an A to T substitution at nucleotide position 3284. The glutamic acid at codon 1095 is replaced by valine, an amino acid with dissimilar properties. This amino acid position is conserved. In addition, this alteration is predicted to be tolerated by in silico analysis. Based on the available evidence, the clinical significance of this variant remains unclear.